The following is an entry in ClinVar:

ClinVar aggregate classification (germline): Uncertain significance (1 of 4 stars; one submission).

Conditions:
Inflammatory skin and bowel disease, neonatal, 1. Identifiers: Orphanet 294023, MedGen C3280501, MONDO:0013693, OMIM 614328.

Allele frequency attached by ClinVar (database versions not stated): gnomAD 0.00001; TOPMed 0.00001; gnomAD exomes 0.00004 and 0.00006; ExAC 0.00007; 1000 Genomes Project 0.00040; 1000 Genomes Project 30x 0.00047.
gnomAD v4.1: 54 of 1,614,260 alleles (0.0033%); highest among the groups gnomAD compares: South Asian, 0.05%; 1 homozygote.

Submission:

Labcorp Genetics (formerly Invitae), Labcorp
Classification: Uncertain significance for Inflammatory skin and bowel disease, neonatal 1. Last evaluated: 2019-04-24. Review status: criteria provided, single submitter. Criteria: Invitae Variant Classification Sherloc (09022015). Collection method: clinical testing. Allele origin: germline.
Comment: This sequence change replaces glutamic acid with lysine at codon 562 of the ADAM17 protein (p.Glu562Lys). The glutamic acid residue is moderately conserved and there is a small physicochemical difference between glutamic acid and lysine. This variant is present in population databases (rs549183501, ExAC 0.05%). This variant has not been reported in the literature in individuals with ADAM17-related conditions. Algorithms developed to predict the effect of missense changes on protein structure and function (SIFT, PolyPhen-2, Align-GVGD) all suggest that this variant is likely to be tolerated, but these predictions have not been confirmed by published functional studies and their clinical significance is uncertain. In summary, the available evidence is currently insufficient to determine the role of this variant in disease. Therefore, it has been classified as a Variant of Uncertain Significance.

NM_003183.6(ADAM17):c.1684G>A (p.Glu562Lys)

Genes: ADAM17 (ADAM metallopeptidase domain 17; minus strand), IAH1 (isoamyl acetate hydrolyzing esterase 1 (putative); plus strand). Cytogenetic location: 2p25.1.
Variant type: single nucleotide variant.
Coding change: c.1684G>A on transcript NM_003183.6 (MANE Select); coding-DNA position 1684, G replaced by A.
Protein change: p.Glu562Lys; replaces glutamic acid 562 with lysine.
Molecular consequence: missense variant.
Genome position (GRCh38, 1-based): chr2:9,497,213, C>T on the plus strand (G>A on the coding strand, the complement: ADAM17 is on the minus strand). VCF-style: chr2-9497213-C-T. GRCh37 (hg19) VCF-style: chr2-9637342-C-T.
Other names: short protein forms E562K.
Identifiers: ClinVar variation 840749 (VCV000840749.1), dbSNP rs549183501, ClinGen allele CA1523434.